The following is an entry in ClinVar:

ClinVar aggregate classification (germline): Uncertain significance (1 of 4 stars; one submission).

Conditions:
Global developmental delay with or without impaired intellectual development. Identifiers: MedGen C5193032, MONDO:0032680, OMIM 618330.

Submission:

Institute of Human Genetics, University of Leipzig Medical Center
Classification: Uncertain significance for Global developmental delay with or without impaired intellectual development. Last evaluated: 2022-12-19. Review status: criteria provided, single submitter. Criteria: ACMG Guidelines, 2015. Collection method: clinical testing. Allele origin: unknown. Affected: yes.
Comment: Criteria applied: PVS1_Moderate, PM2_Supporting

NM_181552.4(CUX1):c.4288dup (p.Glu1430fs)

Gene: CUX1 (cut like homeobox 1; plus strand). Cytogenetic location: 7q22.1.
Variant type: Duplication.
Coding change: c.4288dup on transcript NM_181552.4 (MANE Select); coding-DNA position 4288, one base duplicated (G; older notation c.4288dupG).
Protein change: p.Glu1430fs; shifts the reading frame from glutamic acid 1430.
Molecular consequence: frameshift variant. On other transcripts: intron variant (5).
Genome position (GRCh38, 1-based): chr7:102,248,812, G duplicated; the last of 5 consecutive G bases (chr7:102,248,808-102,248,812); duplicating any one gives the same sequence. VCF-style (leftmost placement, unchanged base first): chr7-102248807-C-CG. GRCh37 (hg19) VCF-style: chr7-101892087-C-CG.
Other names: c.4321dup, p.Glu1441fs (NM_001202543.2); c.1256-24554dup (NM_001913.5); c.1250-24554dup (NM_181500.4); c.1118-24554dup (NM_001202545.3); c.1208-24554dup (NM_001202544.3); c.1139-24554dup (NM_001202546.3); short protein forms E1430fs, E1441fs.
Identifiers: ClinVar variation 1803936 (VCV001803936.1), dbSNP rs1554538187, ClinGen allele CA1105212831.